The following is an entry in ClinVar:

NM_003922.4(HERC1):c.922C>A (p.Arg308Ser)

Gene: HERC1 (HECT and RLD domain containing E3 ubiquitin protein ligase family member 1; minus strand). Cytogenetic location: 15q22.31.
Variant type: single nucleotide variant.
Coding change: c.922C>A on transcript NM_003922.4 (MANE Select); coding-DNA position 922, C replaced by A.
Protein change: p.Arg308Ser; replaces arginine 308 with serine.
Molecular consequence: missense variant.
Genome position (GRCh38, 1-based): chr15:63,774,702, G>T on the plus strand (C>A on the coding strand, the complement: HERC1 is on the minus strand). VCF-style: chr15-63774702-G-T. GRCh37 (hg19) VCF-style: chr15-64066901-G-T.
Other names: short protein forms R308S.
Identifiers: ClinVar variation 1723505 (VCV001723505.2), dbSNP rs748144670, ClinGen allele CA392805479.
Genomic context (GRCh38, chr15:63,774,702, plus strand): 5'-GACTTTTCCAAAAACTATTATGAACTTTAAAGTTGAGACTTATAGTACGTACCAAAGAAC[G>T]CCTCATCTGCATTAATATGGTCATAAAGCAGTCAAAGCTGATCATTCCTTCCTGGCTTGA-3'
Protein context (NP_003913.3, residues 298-318): CFMTILMQMR[Arg308Ser]SLGSSADRSQ

ClinVar aggregate classification (germline): Uncertain significance (1 of 4 stars; one submission).

Submission:

GeneDx
Classification: Uncertain significance. Last evaluated: 2022-05-13. Review status: criteria provided, single submitter. Criteria: GeneDx Variant Classification Process June 2021. Collection method: clinical testing. Allele origin: germline. Affected: yes.
Comment: Not observed at significant frequency in large population cohorts (gnomAD); In silico analysis supports that this missense variant does not alter protein structure/function; Has not been previously published as pathogenic or benign to our knowledge